The following is an entry in ClinVar:

ClinVar aggregate classification (germline): Uncertain significance (1 of 4 stars; one submission).

Conditions:
Inborn genetic diseases. Identifiers: MedGen C0950123, MeSH D030342.

gnomAD v4.1: 2 of 1,612,170 alleles (0.00012%); highest among the groups gnomAD compares: Non-Finnish European, 0.000085%; no homozygotes.

Submission:

Ambry Genetics
Classification: Uncertain significance for Inborn genetic diseases. Last evaluated: 2024-12-04. Review status: criteria provided, single submitter. Criteria: Ambry Variant Classification Scheme 2023. Collection method: clinical testing. Allele origin: germline.
Comment: The p.Q680R variant (also known as c.2039A>G), located in coding exon 23 of the RTEL1 gene, results from an A to G substitution at nucleotide position 2039. The glutamine at codon 680 is replaced by arginine, an amino acid with highly similar properties. This amino acid position is conserved. In addition, this alteration is predicted to be tolerated by in silico analysis. Based on the available evidence, the clinical significance of this variant remains unclear.

NM_001283009.2(RTEL1):c.2039A>G (p.Gln680Arg)

Genes: RTEL1 (regulator of telomere elongation helicase 1; plus strand), RTEL1-TNFRSF6B (RTEL1-TNFRSF6B readthrough (NMD candidate); plus strand). Cytogenetic location: 20q13.33.
Variant type: single nucleotide variant.
Coding change: c.2039A>G on transcript NM_001283009.2 (MANE Select); coding-DNA position 2039, A replaced by G.
Protein change: p.Gln680Arg; replaces glutamine 680 with arginine.
Molecular consequence: missense variant. On other transcripts: non-coding transcript variant (1).
Genome position (GRCh38, 1-based): chr20:63,689,763, A>G. VCF-style: chr20-63689763-A-G. GRCh37 (hg19) VCF-style: chr20-62321116-A-G.
Other names: c.1370A>G, p.Gln457Arg (NM_001283010.1); c.2039A>G, p.Gln680Arg (NM_016434.4); c.2111A>G, p.Gln704Arg (NM_032957.5); short protein forms Q704R, Q457R, Q680R.
Identifiers: ClinVar variation 3436025 (VCV003436025.1).